The following is an entry in ClinVar:

NM_203447.4(DOCK8):c.1528C>A (p.Leu510Met)

Gene: DOCK8 (dedicator of cytokinesis 8; plus strand). Cytogenetic location: 9p24.3.
Variant type: single nucleotide variant.
Coding change: c.1528C>A on transcript NM_203447.4 (MANE Select); coding-DNA position 1528, C replaced by A.
Protein change: p.Leu510Met; replaces leucine 510 with methionine.
Molecular consequence: missense variant.
Genome position (GRCh38, 1-based): chr9:340,170, C>A. VCF-style: chr9-340170-C-A. GRCh37 (hg19) VCF-style: chr9-340170-C-A.
Other names: c.1324C>A, p.Leu442Met (NM_001190458.2, NM_001193536.2); short protein forms L510M, L442M.
Identifiers: ClinVar variation 377120 (VCV000377120.9), dbSNP rs771479299, ClinGen allele CA4957777.
Genomic context (GRCh38, chr9:340,170, plus strand): 5'-CATAACATGACAGTTTCTTTACTAGAACATTCCTATTTTCTCTCTTTAGGCTTGCTAAGA[C>A]TGGAGATTTCTACAGCTCCAGAGATCATCAATTGCTGTCTGACTCCTGAAATGCTGCCCG-3'
Protein context (NP_982272.2, residues 500-520): RVKSIPGLLR[Leu510Met]EISTAPEIIN

ClinVar aggregate classification (germline): Uncertain significance. Review status: criteria provided, multiple submitters, no conflicts (2 of 4 stars). 2 submissions from 2 submitters: Uncertain significance (2). Last evaluated 2022-04-03.

Conditions:
Combined immunodeficiency due to DOCK8 deficiency (HIES2). Also called: Hyper-IgE recurrent infection syndrome, autosomal recessive; HIES autosomal recessive; DOCK8 Deficiency; HYPER-IgE SYNDROME 2, AUTOSOMAL RECESSIVE, WITH RECURRENT INFECTIONS; HYPER-IgE RECURRENT INFECTION SYNDROME 2, AUTOSOMAL RECESSIVE. Identifiers: Orphanet 217390, MedGen C4722305, MONDO:0009478, OMIM 243700.

Allele frequency attached by ClinVar (database versions not stated): gnomAD exomes below 0.00001; ExAC 0.00001; gnomAD 0.00001.
gnomAD v4.1: 23 of 1,613,998 alleles (0.0014%); highest among the groups gnomAD compares: Non-Finnish European, 0.0019%; no homozygotes.

Submissions (2):

Labcorp Genetics (formerly Invitae), Labcorp
Classification: Uncertain significance for Combined immunodeficiency due to DOCK8 deficiency. Last evaluated: 2022-04-03. Review status: criteria provided, single submitter. Criteria: Invitae Variant Classification Sherloc (09022015). Collection method: clinical testing. Allele origin: germline.
Comment: This sequence change replaces leucine, which is neutral and non-polar, with methionine, which is neutral and non-polar, at codon 510 of the DOCK8 protein (p.Leu510Met). This variant is present in population databases (rs771479299, gnomAD 0.004%). This variant has not been reported in the literature in individuals affected with DOCK8-related conditions. ClinVar contains an entry for this variant (Variation ID: 377120). Algorithms developed to predict the effect of missense changes on protein structure and function are either unavailable or do not agree on the potential impact of this missense change (SIFT: "Deleterious"; PolyPhen-2: "Possibly Damaging"; Align-GVGD: "Class C0"). In summary, the available evidence is currently insufficient to determine the role of this variant in disease. Therefore, it has been classified as a Variant of Uncertain Significance.

Center for Pediatric Genomic Medicine, Children's Mercy Hospital and Clinics
Classification: Uncertain significance. Last evaluated: 2016-11-02. Review status: criteria provided, single submitter. Criteria: ACMG Guidelines, 2015. Collection method: clinical testing. Allele origin: germline.
ClinVar note: Converted during submission from Uncertain Significance to Uncertain significance.